The following is an entry in ClinVar:

ClinVar aggregate classification (germline): Pathogenic/Likely pathogenic. Review status: criteria provided, multiple submitters, no conflicts (2 of 4 stars). 2 submissions from 2 submitters: Pathogenic (1); Likely pathogenic (1). Last evaluated 2025-09-22.

Conditions:
Congenital heart defects, dysmorphic facial features, and intellectual developmental disorder (CHDFIDD). Identifiers: Orphanet 646278, MedGen C4479246, MONDO:0044302, OMIM 617360.

Submissions (2):

Labcorp Genetics (formerly Invitae), Labcorp
Classification: Pathogenic. Last evaluated: 2025-09-22. Review status: criteria provided, single submitter. Criteria: Invitae Variant Classification Sherloc (09022015). Collection method: clinical testing. Allele origin: germline.
Comment: This sequence change replaces aspartic acid, which is acidic and polar, with tyrosine, which is neutral and polar, at codon 855 of the CDK13 protein (p.Asp855Tyr). This variant is not present in population databases (gnomAD no frequency). This missense change has been observed in individual(s) with CDK13-related conditions (internal data). In at least one individual the variant was observed to be de novo. ClinVar contains an entry for this variant (Variation ID: 1679310). Invitae Evidence Modeling of protein sequence and biophysical properties (such as structural, functional, and spatial information, amino acid conservation, physicochemical variation, residue mobility, and thermodynamic stability) indicates that this missense variant is expected to disrupt CDK13 protein function with a positive predictive value of 95%. This variant disrupts the p.Asp855 amino acid residue in CDK13. Other variant(s) that disrupt this residue have been determined to be pathogenic (PMID: 30174453, 34429528, 36599938, 37010288). This suggests that this residue is clinically significant, and that variants that disrupt this residue are likely to be disease-causing. For these reasons, this variant has been classified as Pathogenic.

Department of Clinical Genetics, Copenhagen University Hospital, Rigshospitalet
Classification: Likely pathogenic for Congenital heart defects, dysmorphic facial features, and intellectual developmental disorder. Last evaluated: 2021-08-01. Review status: criteria provided, single submitter. Criteria: ACMG Guidelines, 2015. Collection method: clinical testing. Allele origin: de novo. Affected: yes.

Literature cited by the submitters: PubMed 30174453 (cited by Labcorp Genetics (formerly Invitae), Labcorp); PubMed 34429528 (cited by Labcorp Genetics (formerly Invitae), Labcorp); PubMed 36599938 (cited by Labcorp Genetics (formerly Invitae), Labcorp); PubMed 37010288 (cited by Labcorp Genetics (formerly Invitae), Labcorp).

NM_003718.5(CDK13):c.2563G>T (p.Asp855Tyr)

Gene: CDK13 (cyclin dependent kinase 13; plus strand). Cytogenetic location: 7p14.1.
Variant type: single nucleotide variant.
Coding change: c.2563G>T on transcript NM_003718.5 (MANE Select); coding-DNA position 2563, G replaced by T.
Protein change: p.Asp855Tyr; replaces aspartic acid 855 with tyrosine.
Molecular consequence: missense variant.
Genome position (GRCh38, 1-based): chr7:40,047,840, G>T. VCF-style: chr7-40047840-G-T. GRCh37 (hg19) VCF-style: chr7-40087439-G-T.
Other names: c.2563G>T, p.Asp855Tyr (NM_031267.4); short protein forms D855Y.
Identifiers: ClinVar variation 1679310 (VCV001679310.4), dbSNP rs2150517037, ClinGen allele CA367280848.